The following is an entry in ClinVar:

NM_020822.3(KCNT1):c.968A>G (p.Lys323Arg)

Gene: KCNT1 (potassium sodium-activated channel subfamily T member 1; plus strand). Cytogenetic location: 9q34.3.
Variant type: single nucleotide variant.
Coding change: c.968A>G on transcript NM_020822.3 (MANE Select); coding-DNA position 968, A replaced by G.
Protein change: p.Lys323Arg; replaces lysine 323 with arginine.
Molecular consequence: missense variant.
Genome position (GRCh38, 1-based): chr9:135,759,792, A>G. VCF-style: chr9-135759792-A-G. GRCh37 (hg19) VCF-style: chr9-138651638-A-G.
Other names: c.833A>G, p.Lys278Arg (NM_001272003.2); short protein forms K323R, K278R.
Identifiers: ClinVar variation 578621 (VCV000578621.8), dbSNP rs978227077, ClinGen allele CA201461681.

ClinVar aggregate classification (germline): Uncertain significance. Review status: criteria provided, multiple submitters, no conflicts (2 of 4 stars). 4 submissions from 3 submitters: Uncertain significance (4). Last evaluated 2022-07-06.

Conditions:
Autosomal dominant nocturnal frontal lobe epilepsy 5. Also called: Epilepsy, nocturnal frontal lobe, 5; CILIARY DYSKINESIA, PRIMARY, 28, WITHOUT SITUS INVERSUS; CILIARY DYSKINESIA, PRIMARY, 28, WITH SITUS INVERSUS; KCNT1-Related Epilepsy. Identifiers: Orphanet 98784, MedGen C3554306, MONDO:0014002, OMIM 615005.
Developmental and epileptic encephalopathy, 14 (DEE14). Also called: Early infantile epileptic encephalopathy 14. Identifiers: Orphanet 293181, MedGen C3554195, MONDO:0013989, OMIM 614959.

Allele frequency attached by ClinVar (database versions not stated): gnomAD exomes below 0.00001; TOPMed 0.00002.
gnomAD v4.1: 2 of 1,613,496 alleles (0.00012%); highest among the groups gnomAD compares: African/African-American, 0.0027%; no homozygotes.

Submissions (4):

Labcorp Genetics (formerly Invitae), Labcorp
Classification: Uncertain significance for Autosomal dominant nocturnal frontal lobe epilepsy 5; Developmental and epileptic encephalopathy, 14. Last evaluated: 2022-07-06. Review status: criteria provided, single submitter. Criteria: Invitae Variant Classification Sherloc (09022015). Collection method: clinical testing. Allele origin: germline.
Comment: This sequence change replaces lysine, which is basic and polar, with arginine, which is basic and polar, at codon 323 of the KCNT1 protein (p.Lys323Arg). This variant is not present in population databases (gnomAD no frequency). This variant has not been reported in the literature in individuals affected with KCNT1-related conditions. ClinVar contains an entry for this variant (Variation ID: 578621). Algorithms developed to predict the effect of missense changes on protein structure and function (SIFT, PolyPhen-2, Align-GVGD) all suggest that this variant is likely to be tolerated. Algorithms developed to predict the effect of sequence changes on RNA splicing suggest that this variant may create or strengthen a splice site. In summary, the available evidence is currently insufficient to determine the role of this variant in disease. Therefore, it has been classified as a Variant of Uncertain Significance.

Genome-Nilou Lab
Classification: Uncertain significance for Developmental and epileptic encephalopathy, 14. Last evaluated: 2022-03-15. Review status: criteria provided, single submitter. Criteria: ACMG Guidelines, 2015. Collection method: clinical testing. Allele origin: germline. Affected: no.

Genome-Nilou Lab
Classification: Uncertain significance for Autosomal dominant nocturnal frontal lobe epilepsy 5. Last evaluated: 2022-03-15. Review status: criteria provided, single submitter. Criteria: ACMG Guidelines, 2015. Collection method: clinical testing. Allele origin: germline. Affected: no.

GeneDx
Classification: Uncertain significance. Last evaluated: 2019-12-03. Review status: criteria provided, single submitter. Criteria: GeneDx Variant Classification Process June 2021. Collection method: clinical testing. Allele origin: germline. Affected: yes.
Comment: Not observed in large population cohorts (Lek et al., 2016); In silico analysis, which includes protein predictors and evolutionary conservation, supports that this variant does not alter protein structure/function; Has not been previously published as pathogenic or benign to our knowledge